The following is an entry in ClinVar:

ClinVar aggregate classification (germline): Uncertain significance (1 of 4 stars; one submission).

Submission:

GeneDx
Classification: Uncertain significance. Last evaluated: 2022-03-16. Review status: criteria provided, single submitter. Criteria: GeneDx Variant Classification Process June 2021. Collection method: clinical testing. Allele origin: germline. Affected: yes.
Comment: Has not been previously published as pathogenic or benign to our knowledge; Not observed at significant frequency in large population cohorts (gnomAD); In silico analysis supports that this missense variant does not alter protein structure/function

NM_003221.4(TFAP2B):c.97G>A (p.Val33Ile)

Gene: TFAP2B (transcription factor AP-2 beta; plus strand). Cytogenetic location: 6p12.3.
Variant type: single nucleotide variant.
Coding change: c.97G>A on transcript NM_003221.4 (MANE Select); coding-DNA position 97, G replaced by A.
Protein change: p.Val33Ile; replaces valine 33 with isoleucine.
Molecular consequence: missense variant.
Genome position (GRCh38, 1-based): chr6:50,823,422, G>A. VCF-style: chr6-50823422-G-A. GRCh37 (hg19) VCF-style: chr6-50791135-G-A.
Other names: short protein forms V33I.
Identifiers: ClinVar variation 1706228 (VCV001706228.2), dbSNP rs777595459, ClinGen allele CA364411730.